The following is an entry in ClinVar:

NM_004260.4(RECQL4):c.1307C>T (p.Ser436Leu)

Gene: RECQL4 (RecQ like helicase 4; minus strand). Cytogenetic location: 8q24.3.
Variant type: single nucleotide variant.
Coding change: c.1307C>T on transcript NM_004260.4 (MANE Select); coding-DNA position 1307, C replaced by T.
Protein change: p.Ser436Leu; replaces serine 436 with leucine.
Molecular consequence: missense variant.
Genome position (GRCh38, 1-based): chr8:144,515,409, G>A on the plus strand (C>T on the coding strand, the complement: RECQL4 is on the minus strand). VCF-style: chr8-144515409-G-A. GRCh37 (hg19) VCF-style: chr8-145740793-G-A.
Other names: c.1307C>T (NM_004260.3); short protein forms S436L.
Identifiers: ClinVar variation 1420169 (VCV001420169.4), dbSNP rs2130708487, ClinGen allele CA372685776.
Genomic context (GRCh38, chr8:144,515,409, plus strand): 5'-AGGGAGTAGAGTGGCAGCACGGTGGGGTCCAGGCTGGGCACCTCAGGTACAGGTTGTGGT[G>A]AAGGAACCAGTGGCTCAGGCCCAACAGCATCTGTGTCTTCCTCACTTGCTGGGGCAGGCA-3'
Protein context (NP_004251.4, residues 426-446): DAVGPEPLVP[Ser436Leu]PQPVPEVPSL

ClinVar aggregate classification (germline): Uncertain significance. Review status: criteria provided, multiple submitters, no conflicts (2 of 4 stars). 2 submissions from 2 submitters: Uncertain significance (2). Last evaluated 2025-01-27.

Conditions:
Baller-Gerold syndrome (BGS). Also called: CRANIOSYNOSTOSIS WITH RADIAL DEFECTS. Identifiers: Orphanet 1225, MedGen C0265308, MONDO:0009039, OMIM 218600.
Inborn genetic diseases. Identifiers: MedGen C0950123, MeSH D030342.

gnomAD v4.1: 2 of 1,612,828 alleles (0.00012%); highest among the groups gnomAD compares: Non-Finnish European, 0.00017%; no homozygotes.

Submissions (2):

Ambry Genetics
Classification: Uncertain significance for Inborn genetic diseases. Last evaluated: 2025-01-27. Review status: criteria provided, single submitter. Criteria: Ambry Variant Classification Scheme 2023. Collection method: clinical testing. Allele origin: germline.
Comment: The p.S436L variant (also known as c.1307C>T), located in coding exon 7 of the RECQL4 gene, results from a C to T substitution at nucleotide position 1307. The serine at codon 436 is replaced by leucine, an amino acid with dissimilar properties. This amino acid position is conserved. In addition, this alteration is predicted to be tolerated by in silico analysis. Based on the available evidence, the clinical significance of this variant remains unclear.

Labcorp Genetics (formerly Invitae), Labcorp
Classification: Uncertain significance for Baller-Gerold syndrome. Last evaluated: 2022-06-04. Review status: criteria provided, single submitter. Criteria: Invitae Variant Classification Sherloc (09022015). Collection method: clinical testing. Allele origin: germline.
Comment: This sequence change replaces serine, which is neutral and polar, with leucine, which is neutral and non-polar, at codon 436 of the RECQL4 protein (p.Ser436Leu). This variant is not present in population databases (gnomAD no frequency). This variant has not been reported in the literature in individuals affected with RECQL4-related conditions. ClinVar contains an entry for this variant (Variation ID: 1420169). Experimental studies and prediction algorithms are not available or were not evaluated, and the functional significance of this variant is currently unknown. In summary, the available evidence is currently insufficient to determine the role of this variant in disease. Therefore, it has been classified as a Variant of Uncertain Significance.